The following is an entry in ClinVar:

ClinVar aggregate classification (germline): Uncertain significance. Review status: criteria provided, multiple submitters, no conflicts (2 of 4 stars). 4 submissions from 4 submitters: Uncertain significance (4). Last evaluated 2025-06-12.

Conditions:
Cardiovascular phenotype. Identifiers: MedGen CN230736.
Noonan syndrome and Noonan-related syndrome. Identifiers: Orphanet 98733, MedGen C5681679, MONDO:0020297.
RASopathy. Also called: rasopathies; Noonan spectrum disorder. Identifiers: Orphanet 536391, MedGen C5555857, MONDO:0021060.

Submissions (4):

Labcorp Genetics (formerly Invitae), Labcorp
Classification: Uncertain significance for RASopathy. Last evaluated: 2025-06-12. Review status: criteria provided, single submitter. Criteria: Invitae Variant Classification Sherloc (09022015). Collection method: clinical testing. Allele origin: germline.
Comment: This sequence change replaces methionine, which is neutral and non-polar, with valine, which is neutral and non-polar, at codon 119 of the CBL protein (p.Met119Val). This variant is not present in population databases (gnomAD no frequency). This variant has not been reported in the literature in individuals affected with CBL-related conditions. ClinVar contains an entry for this variant (Variation ID: 1334225). Invitae Evidence Modeling of protein sequence and biophysical properties (such as structural, functional, and spatial information, amino acid conservation, physicochemical variation, residue mobility, and thermodynamic stability) indicates that this missense variant is not expected to disrupt CBL protein function with a negative predictive value of 95%. In summary, the available evidence is currently insufficient to determine the role of this variant in disease. Therefore, it has been classified as a Variant of Uncertain Significance.

Ambry Genetics
Classification: Uncertain significance for Cardiovascular phenotype. Last evaluated: 2024-11-01. Review status: criteria provided, single submitter. Criteria: Ambry Variant Classification Scheme 2023. Collection method: clinical testing. Allele origin: germline.
Comment: The p.M119V variant (also known as c.355A>G), located in coding exon 2 of the CBL gene, results from an A to G substitution at nucleotide position 355. The methionine at codon 119 is replaced by valine, an amino acid with highly similar properties. This amino acid position is conserved. In addition, the in silico prediction for this alteration is inconclusive. Based on the available evidence, the clinical significance of this variant remains unclear.

Blueprint Genetics
Classification: Uncertain significance. Last evaluated: 2021-10-06. Review status: criteria provided, single submitter. Criteria: ACMG Guidelines, 2015. Collection method: clinical testing. Allele origin: germline.

Genome Diagnostics Laboratory, The Hospital for Sick Children
Classification: Uncertain significance for Noonan syndrome and Noonan-related syndrome. Last evaluated: 2018-08-16. Review status: criteria provided, single submitter. Criteria: ACMG Guidelines, 2015. Collection method: clinical testing. Allele origin: germline.

NM_005188.4(CBL):c.355A>G (p.Met119Val)

Gene: CBL (Cbl proto-oncogene; plus strand). Cytogenetic location: 11q23.3.
Variant type: single nucleotide variant.
Coding change: c.355A>G on transcript NM_005188.4 (MANE Select); coding-DNA position 355, A replaced by G.
Protein change: p.Met119Val; replaces methionine 119 with valine.
Molecular consequence: missense variant.
Genome position (GRCh38, 1-based): chr11:119,232,607, A>G. VCF-style: chr11-119232607-A-G. GRCh37 (hg19) VCF-style: chr11-119103317-A-G.
Other names: c.355A>G (NM_005188.2); short protein forms M119V.
Identifiers: ClinVar variation 1334225 (VCV001334225.13), dbSNP rs1173256276, ClinGen allele CA382895253.